The following is an entry in ClinVar:

ClinVar aggregate classification (germline): Uncertain significance (1 of 4 stars; one submission).

Conditions:
AFF4-related disorder. Also called: AFF4-related condition.

gnomAD v4.1: 2 of 1,612,746 alleles (0.00012%); highest among the groups gnomAD compares: African/African-American, 0.0013%; no homozygotes.

Submission:

PreventionGenetics, part of Exact Sciences
Classification: Uncertain significance for AFF4-related condition. Last evaluated: 2025-02-22. Review status: criteria provided, single submitter. Criteria: ACMG Guidelines, 2015. Collection method: clinical testing. Allele origin: germline.
Comment: The AFF4 c.3144-5T>G variant is predicted to interfere with splicing. To our knowledge, this variant has not been reported in the literature or in a large population database (gnomAD), indicating this variant is rare. This variant is predicted to alter splicing based on available splicing prediction programs (SpliceAI, Jaganathan et al. 2019. PubMed ID: 30661751). However, the use of computer prediction programs is not equivalent to functional evidence. Additionally, loss of function is not an established mechanism of AFF4-related disease. At this time, the clinical significance of this variant is uncertain due to the absence of conclusive functional and genetic evidence.

NM_014423.4(AFF4):c.3144-5T>G

Gene: AFF4 (ALF transcription elongation factor 4; minus strand). Cytogenetic location: 5q31.1.
Variant type: single nucleotide variant.
Coding change: c.3144-5T>G on transcript NM_014423.4 (MANE Select); 5 bases into the intron before coding-DNA position 3144, T replaced by G.
Molecular consequence: intron variant.
Genome position (GRCh38, 1-based): chr5:132,883,565, A>C on the plus strand (T>G on the coding strand, the complement: AFF4 is on the minus strand). VCF-style: chr5-132883565-A-C. GRCh37 (hg19) VCF-style: chr5-132219257-A-C.
Identifiers: ClinVar variation 4990267 (VCV004990267.1).